The following is an entry in ClinVar:

ClinVar aggregate classification (germline): Uncertain significance (1 of 4 stars; one submission).

gnomAD v4.1: 11 of 616,008 alleles (0.0018%); highest among the groups gnomAD compares: South Asian, 0.0073%; no homozygotes.

Submission:

Labcorp Genetics (formerly Invitae), Labcorp
Classification: Uncertain significance. Last evaluated: 2025-10-09. Review status: criteria provided, single submitter. Criteria: Invitae Variant Classification Sherloc (09022015). Collection method: clinical testing. Allele origin: germline.
Comment: This sequence change falls in intron 7 of the PAX4 gene. It does not directly change the encoded amino acid sequence of the PAX4 protein. It affects a nucleotide within the consensus splice site. The frequency data for this variant in the population databases is considered unreliable, as metrics indicate poor data quality at this position in the gnomAD database. This variant has not been reported in the literature in individuals affected with PAX4-related conditions. Variants that disrupt the consensus splice site are a relatively common cause of aberrant splicing (PMID: 17576681, 9536098). Algorithms developed to predict the effect of sequence changes on RNA splicing suggest that this variant may disrupt the consensus splice site. In summary, the available evidence is currently insufficient to determine the role of this variant in disease. Therefore, it has been classified as a Variant of Uncertain Significance.

Literature cited by the submitters: PubMed 17576681; PubMed 9536098.

NM_001366110.1(PAX4):c.772-3T>A

Gene: PAX4 (paired box 4; minus strand). Cytogenetic location: 7q32.1.
Variant type: single nucleotide variant.
Coding change: c.772-3T>A on transcript NM_001366110.1 (MANE Select); 3 bases into the intron before coding-DNA position 772, T replaced by A.
Molecular consequence: intron variant.
Genome position (GRCh38, 1-based): chr7:127,611,679, A>T on the plus strand (T>A on the coding strand, the complement: PAX4 is on the minus strand). VCF-style: chr7-127611679-A-T. GRCh37 (hg19) VCF-style: chr7-127251733-A-T.
Other names: c.772-3T>A (NM_001366111.1).
Identifiers: ClinVar variation 4751785 (VCV004751785.1).